The following is an entry in ClinVar:

ClinVar aggregate classification (germline): Uncertain significance. Review status: criteria provided, multiple submitters, no conflicts (2 of 4 stars). 2 submissions from 2 submitters: Uncertain significance (2). Last evaluated 2025-06-10.

Conditions:
Inborn genetic diseases. Identifiers: MedGen C0950123, MeSH D030342.

Allele frequency attached by ClinVar (database versions not stated): gnomAD exomes below 0.00001.
gnomAD v4.1: 1 of 1,614,114 alleles (0.000062%); highest among the groups gnomAD compares: Non-Finnish European, 0.000085%; no homozygotes.

Submissions (2):

Ambry Genetics
Classification: Uncertain significance for Inborn genetic diseases. Last evaluated: 2025-06-10. Review status: criteria provided, single submitter. Criteria: Ambry Variant Classification Scheme 2023. Collection method: clinical testing. Allele origin: germline.

Labcorp Genetics (formerly Invitae), Labcorp
Classification: Uncertain significance. Last evaluated: 2023-07-10. Review status: criteria provided, single submitter. Criteria: Invitae Variant Classification Sherloc (09022015). Collection method: clinical testing. Allele origin: germline.
Comment: This sequence change replaces glycine, which is neutral and non-polar, with serine, which is neutral and polar, at codon 402 of the RP1 protein (p.Gly402Ser). This variant is not present in population databases (gnomAD no frequency). This variant has not been reported in the literature in individuals affected with RP1-related conditions. ClinVar contains an entry for this variant (Variation ID: 2169075). Algorithms developed to predict the effect of missense changes on protein structure and function output the following: SIFT: "Not Available"; PolyPhen-2: "Benign"; Align-GVGD: "Not Available". The serine amino acid residue is found in multiple mammalian species, which suggests that this missense change does not adversely affect protein function. In summary, the available evidence is currently insufficient to determine the role of this variant in disease. Therefore, it has been classified as a Variant of Uncertain Significance.

NM_006269.2(RP1):c.1204G>A (p.Gly402Ser)

Gene: RP1 (RP1 axonemal microtubule associated; plus strand). Cytogenetic location: 8q12.1.
Variant type: single nucleotide variant.
Coding change: c.1204G>A on transcript NM_006269.2 (MANE Select); coding-DNA position 1204, G replaced by A.
Protein change: p.Gly402Ser; replaces glycine 402 with serine.
Molecular consequence: missense variant. On other transcripts: intron variant (1).
Genome position (GRCh38, 1-based): chr8:54,625,086, G>A. VCF-style: chr8-54625086-G-A. GRCh37 (hg19) VCF-style: chr8-55537646-G-A.
Other names: c.787+2798G>A (NM_001375654.1); c.1204G>A (NM_006269.1); short protein forms G402S.
Identifiers: ClinVar variation 2169075 (VCV002169075.5), dbSNP rs1805992898, ClinGen allele CA370989514.